The following is an entry in ClinVar:

NM_016169.4(SUFU):c.892del (p.Arg298fs)

Gene: SUFU (SUFU negative regulator of hedgehog signaling; plus strand). Cytogenetic location: 10q24.32.
Variant type: Deletion.
Coding change: c.892del on transcript NM_016169.4 (MANE Select); coding-DNA position 892, one base deleted (C; older notation c.892delC).
Protein change: p.Arg298fs; shifts the reading frame from arginine 298.
Molecular consequence: frameshift variant.
Genome position (GRCh38, 1-based): chr10:102,597,275, C deleted; the last of 4 consecutive C bases (chr10:102,597,272-102,597,275); deleting any one gives the same sequence. VCF-style (leftmost placement, unchanged base first): chr10-102597271-GC-G. GRCh37 (hg19) VCF-style: chr10-104357028-GC-G.
Other names: c.892del, p.Arg298fs (NM_001178133.2); short protein forms R298fs.
Identifiers: ClinVar variation 852072 (VCV000852072.11), dbSNP rs2063473101, ClinGen allele CA916081618.

ClinVar aggregate classification (germline): Pathogenic (1 of 4 stars; one submission).

Conditions:
Gorlin syndrome. Also called: Nevoid Basal Cell Carcinoma Syndrome; Basal cell nevus syndrome. Identifiers: Orphanet 377, MedGen C0004779, MONDO:0007187.
Medulloblastoma (MDB). Also called: Medulloblastoma, somatic; MEDULLOBLASTOMA PREDISPOSITION SYNDROME. Identifiers: Orphanet 616, MedGen C0025149, MeSH D008527, MONDO:0007959, OMIM 155255, HP:0002885.

Submission:

Labcorp Genetics (formerly Invitae), Labcorp
Classification: Pathogenic for Gorlin syndrome; Medulloblastoma. Last evaluated: 2019-12-26. Review status: criteria provided, single submitter. Criteria: Invitae Variant Classification Sherloc (09022015). Collection method: clinical testing. Allele origin: germline.
Comment: This variant has not been reported in the literature in individuals with SUFU-related conditions. Loss-of-function variants in SUFU are known to be pathogenic (PMID: 22508808, 25403219). For these reasons, this variant has been classified as Pathogenic. This variant is not present in population databases (ExAC no frequency). This sequence change creates a premature translational stop signal (p.Arg298Glyfs*15) in the SUFU gene. It is expected to result in an absent or disrupted protein product.

Literature cited by the submitters: PubMed 22508808; PubMed 25403219.